The following is an entry in ClinVar:

ClinVar aggregate classification (germline): Uncertain significance. Review status: criteria provided, multiple submitters, no conflicts (2 of 4 stars). 2 submissions from 2 submitters: Uncertain significance (2). Last evaluated 2025-04-01.

Allele frequency attached by ClinVar (database versions not stated): ExAC 0.00008; TOPMed 0.00006; gnomAD exomes 0.00003; gnomAD 0.00005.
gnomAD v4.1: 61 of 1,613,792 alleles (0.0038%); highest among the groups gnomAD compares: African/African-American, 0.015%; no homozygotes.

Submissions (2):

Ambry Genetics
Classification: Uncertain significance. Last evaluated: 2025-04-01. Review status: criteria provided, single submitter. Criteria: Ambry Variant Classification Scheme 2023. Collection method: clinical testing. Allele origin: germline.

Labcorp Genetics (formerly Invitae), Labcorp
Classification: Uncertain significance. Last evaluated: 2021-10-24. Review status: criteria provided, single submitter. Criteria: Invitae Variant Classification Sherloc (09022015). Collection method: clinical testing. Allele origin: germline.
Comment: This sequence change replaces serine with leucine at codon 1734 of the SBF1 protein (p.Ser1734Leu). The serine residue is moderately conserved and there is a large physicochemical difference between serine and leucine. This variant is present in population databases (rs202197736, ExAC 0.02%). This variant has not been reported in the literature in individuals affected with SBF1-related conditions. Algorithms developed to predict the effect of missense changes on protein structure and function are either unavailable or do not agree on the potential impact of this missense change (SIFT: "Tolerated"; PolyPhen-2: "Possibly Damaging"; Align-GVGD: "Class C0"). In summary, the available evidence is currently insufficient to determine the role of this variant in disease. Therefore, it has been classified as a Variant of Uncertain Significance.

NM_002972.4(SBF1):c.5201C>T (p.Ser1734Leu)

Gene: SBF1 (SET binding factor 1; minus strand). Cytogenetic location: 22q13.33.
Variant type: single nucleotide variant.
Coding change: c.5201C>T on transcript NM_002972.4 (MANE Select); coding-DNA position 5201, C replaced by T.
Protein change: p.Ser1734Leu; replaces serine 1734 with leucine.
Molecular consequence: missense variant.
Genome position (GRCh38, 1-based): chr22:50,448,395, G>A on the plus strand (C>T on the coding strand, the complement: SBF1 is on the minus strand). VCF-style: chr22-50448395-G-A. GRCh37 (hg19) VCF-style: chr22-50886824-G-A.
Other names: c.5126C>T, p.Ser1709Leu (NM_001365819.1); c.5204C>T, p.Ser1735Leu (NM_001410794.1); c.5123C>T, p.Ser1708Leu (NM_001410795.1); c.5201C>T, p.Ser1734Leu (NM_197971.1); c.5201C>T (NM_002972.2); short protein forms S1734L, S1709L, S1708L, S1735L.
Identifiers: ClinVar variation 1911481 (VCV001911481.3), dbSNP rs202197736, ClinGen allele CA10315931.
Genomic context (GRCh38, chr22:50,448,395, plus strand): 5'-CTGTCCAGGCTGAGGCTCAGGGTGGAGCCCACGGGCCCCTCCTGCAGGTACACACCCAGC[G>A]AGCGACGGTGGTGGGGTGCGGTGGACACAAGGAGGGAGCTAGGGGTGCCCTGGGAACAGG-3'
Protein context (NP_002963.2, residues 1724-1744): LVSTAPHHRR[Ser1734Leu]LGVYLQEGPV